The following is an entry in ClinVar:

NM_014946.4(SPAST):c.1033G>C (p.Ala345Pro)

Gene: SPAST (spastin; plus strand). Cytogenetic location: 2p22.3.
Variant type: single nucleotide variant.
Coding change: c.1033G>C on transcript NM_014946.4 (MANE Select); coding-DNA position 1033, G replaced by C.
Protein change: p.Ala345Pro; replaces alanine 345 with proline.
Molecular consequence: missense variant.
Genome position (GRCh38, 1-based): chr2:32,116,147, G>C. VCF-style: chr2-32116147-G-C. GRCh37 (hg19) VCF-style: chr2-32341216-G-C.
Other names: c.1030G>C, p.Ala344Pro (NM_001363823.2); c.934G>C, p.Ala312Pro (NM_001363875.2); c.937G>C, p.Ala313Pro (NM_001377959.1, NM_199436.2); short protein forms A312P, A313P, A345P, A344P.
Identifiers: ClinVar variation 2704042 (VCV002704042.3), dbSNP rs2465839691, ClinGen allele CA346499658.

ClinVar aggregate classification (germline): Uncertain significance (1 of 4 stars; one submission).

Conditions:
Hereditary spastic paraplegia 4. Also called: Spastic paraplegia 4, autosomal dominant; Familial spastic paraplegia autosomal dominant 2; Spastic Paraplegia 4. Identifiers: Orphanet 100985, MedGen C1866855, MONDO:0008438, OMIM 182601.

Submission:

Labcorp Genetics (formerly Invitae), Labcorp
Classification: Uncertain significance for Hereditary spastic paraplegia 4. Last evaluated: 2023-12-19. Review status: criteria provided, single submitter. Criteria: Invitae Variant Classification Sherloc (09022015). Collection method: clinical testing. Allele origin: germline.
Comment: This sequence change replaces alanine, which is neutral and non-polar, with proline, which is neutral and non-polar, at codon 345 of the SPAST protein (p.Ala345Pro). This variant is not present in population databases (gnomAD no frequency). This variant has not been reported in the literature in individuals affected with SPAST-related conditions. Advanced modeling of protein sequence and biophysical properties (such as structural, functional, and spatial information, amino acid conservation, physicochemical variation, residue mobility, and thermodynamic stability) performed at Invitae indicates that this missense variant is expected to disrupt SPAST protein function with a positive predictive value of 80%. In summary, the available evidence is currently insufficient to determine the role of this variant in disease. Therefore, it has been classified as a Variant of Uncertain Significance.